The following is an entry in ClinVar:

ClinVar aggregate classification (germline): Pathogenic/Likely pathogenic. Review status: criteria provided, multiple submitters, no conflicts (2 of 4 stars). 3 submissions from 3 submitters: Pathogenic (1); Likely pathogenic (1). 1 of the submissions does not count toward it. Last evaluated 2023-07-26.

Conditions:
Polycystic kidney disease 4 (PKD4). Also called: POLYCYSTIC KIDNEY AND HEPATIC DISEASE 1; POLYCYSTIC KIDNEY DISEASE, INFANTILE, TYPE I; POLYCYSTIC KIDNEY DISEASE 4 WITH OR WITHOUT POLYCYSTIC LIVER DISEASE; PKD3; Autosomal Recessive Polycystic Kidney Disease – PKHD1. Identifiers: MedGen C4540575, MONDO:0033004, OMIM 263200.
Autosomal recessive polycystic kidney disease (ARPKD). Also called: AR polycystic kidney disease. Identifiers: Orphanet 731, Orphanet 8378, MedGen C0085548, MeSH D017044, MONDO:0009889.

Submissions (3):

Labcorp Genetics (formerly Invitae), Labcorp
Classification: Pathogenic for Autosomal recessive polycystic kidney disease. Last evaluated: 2023-07-26. Review status: criteria provided, single submitter. Criteria: Invitae Variant Classification Sherloc (09022015). Collection method: clinical testing. Allele origin: germline.
Comment: This sequence change creates a premature translational stop signal (p.His2572Ilefs*7) in the PKHD1 gene. It is expected to result in an absent or disrupted protein product. Loss-of-function variants in PKHD1 are known to be pathogenic (PMID: 19940839). This variant is not present in population databases (gnomAD no frequency). This variant has not been reported in the literature in individuals affected with PKHD1-related conditions. ClinVar contains an entry for this variant (Variation ID: 371193). For these reasons, this variant has been classified as Pathogenic.

Genome-Nilou Lab
Classification: Likely pathogenic for Polycystic kidney disease 4. Last evaluated: 2021-07-22. Review status: criteria provided, single submitter. Criteria: ACMG Guidelines, 2015. Collection method: clinical testing. Allele origin: germline. Affected: no.

Counsyl
Classification: Likely pathogenic for Polycystic kidney disease 4. Last evaluated: 2016-07-26. Review status: no assertion criteria provided. Collection method: clinical testing. Allele origin: unknown. Not counted in ClinVar's aggregate classification.

Literature cited by the submitters: PubMed 19940839 (cited by Labcorp Genetics (formerly Invitae), Labcorp).

NM_138694.4(PKHD1):c.7713del (p.His2572fs)

Gene: PKHD1 (PKHD1 ciliary IPT domain containing fibrocystin/polyductin; minus strand). Cytogenetic location: 6p12.2.
Variant type: Deletion.
Coding change: c.7713del on transcript NM_138694.4 (MANE Select); coding-DNA position 7713, one base deleted (T; older notation c.7713delT).
Protein change: p.His2572fs; shifts the reading frame from histidine 2572.
Molecular consequence: frameshift variant.
Genome position (GRCh38, 1-based): chr6:51,867,883, A deleted on the plus strand (T on the coding strand, the reverse complement: PKHD1 is on the minus strand); the first of 5 consecutive A bases (chr6:51,867,883-51,867,887); deleting any one gives the same sequence. VCF-style (leftmost placement, unchanged base first): chr6-51867882-GA-G. GRCh37 (hg19) VCF-style: chr6-51732680-GA-G.
Other names: c.7713del, p.His2572fs (NM_170724.3); short protein forms H2572fs.
Identifiers: ClinVar variation 371193 (VCV000371193.9), dbSNP rs1057517078, ClinGen allele CA16041040.